The following is an entry in ClinVar:

NM_001042492.3(NF1):c.5552C>G (p.Pro1851Arg)

Gene: NF1 (neurofibromin 1; plus strand). Cytogenetic location: 17q11.2.
Variant type: single nucleotide variant.
Coding change: c.5552C>G on transcript NM_001042492.3 (MANE Select); coding-DNA position 5552, C replaced by G.
Protein change: p.Pro1851Arg; replaces proline 1851 with arginine.
Molecular consequence: missense variant.
Genome position (GRCh38, 1-based): chr17:31,327,782, C>G. VCF-style: chr17-31327782-C-G. GRCh37 (hg19) VCF-style: chr17-29654800-C-G.
Other names: c.5489C>G, p.Pro1830Arg (NM_000267.4); short protein forms P1830R, P1851R.
Identifiers: ClinVar variation 449429 (VCV000449429.6), dbSNP rs1555533638, ClinGen allele CA399009880.

ClinVar aggregate classification (germline): Conflicting classifications of pathogenicity. Review status: criteria provided, conflicting classifications (1 of 4 stars). 4 submissions from 4 submitters: Likely pathogenic (1); Uncertain significance (3). Last evaluated 2024-04-04.

Conditions:
Neurofibromatosis, type 1 (NF1). Also called: Peripheral type neurofibromatosis; Neurofibromatosis, type I; VON RECKLINGHAUSEN DISEASE; NEUROFIBROMATOSIS, TYPE I, SOMATIC. Identifiers: Orphanet 636, MedGen C0027831, MONDO:0018975, OMIM 162200. Disease mechanism: loss of function.
Neurofibromatosis-Noonan syndrome (NFNS). Also called: NEUROFIBROMATOSIS WITH NOONAN PHENOTYPE. Identifiers: Orphanet 638, MedGen C2931482, MONDO:0011035, OMIM 601321. Disease mechanism: loss of function.
Café-au-lait macules with pulmonary stenosis (WTSN). Also called: PULMONIC STENOSIS WITH CAFE-AU-LAIT SPOTS. Identifiers: MedGen C0553586, MONDO:0008672, OMIM 193520.
Neurofibromatosis, familial spinal (FSNF). Identifiers: Orphanet 636, MedGen C1834235, MONDO:0008078, OMIM 162210. Disease mechanism: loss of function.
Juvenile myelomonocytic leukemia (JMML). Also called: LEUKEMIA, JUVENILE MYELOMONOCYTIC, SOMATIC. Identifiers: Orphanet 86834, MedGen C0349639, MONDO:0011908, OMIM 607785, HP:0012209.

Submissions (4):

Labcorp Genetics (formerly Invitae), Labcorp
Classification: Uncertain significance for Neurofibromatosis, type 1. Last evaluated: 2024-04-04. Review status: criteria provided, single submitter. Criteria: Invitae Variant Classification Sherloc (09022015). Collection method: clinical testing. Allele origin: germline.
Comment: This sequence change replaces proline, which is neutral and non-polar, with arginine, which is basic and polar, at codon 1830 of the NF1 protein (p.Pro1830Arg). This variant is not present in population databases (gnomAD no frequency). This variant has not been reported in the literature in individuals affected with NF1-related conditions. ClinVar contains an entry for this variant (Variation ID: 449429). Advanced modeling of protein sequence and biophysical properties (such as structural, functional, and spatial information, amino acid conservation, physicochemical variation, residue mobility, and thermodynamic stability) performed at Invitae indicates that this missense variant is expected to disrupt NF1 protein function with a positive predictive value of 95%. This variant disrupts the p.Pro1830 amino acid residue in NF1. Other variant(s) that disrupt this residue have been determined to be pathogenic (Invitae). This suggests that this residue is clinically significant, and that variants that disrupt this residue are likely to be disease-causing. In summary, the available evidence is currently insufficient to determine the role of this variant in disease. Therefore, it has been classified as a Variant of Uncertain Significance.

Blueprint Genetics
Classification: Uncertain significance. Last evaluated: 2021-09-08. Review status: criteria provided, single submitter. Criteria: ACMG Guidelines, 2015. Collection method: clinical testing. Allele origin: germline.

GeneDx
Classification: Uncertain significance. Last evaluated: 2017-09-19. Review status: criteria provided, single submitter. Criteria: GeneDx Variant Classification (06012015). Collection method: clinical testing. Allele origin: germline. Affected: yes.
Comment: The P1830R variant has been reported previously in association with neurofibromatosis type 1; however, the variant was listed in the Human Gene Mutation Database as obtained through personal communication and is not found in the associated publication (Stenson et al., 2014; vanMinkelen et al., 2014). The variant is not observed in large population cohorts (Lek et al., 2016; 1000 Genomes Consortium et al., 2015; Exome Variant Server). P1830R is a non-conservative amino acid substitution, which is likely to impact secondary protein structure as these residues differ in polarity, charge, size and/or other properties. This substitution occurs at a position that is conserved across species, and in silico analysis predicts this variant is probably damaging to the protein structure/function. In summary, based on the currently available information, it is unclear whether this variant is a pathogenic variant or a rare benign variant.

Juno Genomics, Hangzhou Juno Genomics, Inc
Classification: Likely pathogenic for Café-au-lait macules with pulmonary stenosis; Neurofibromatosis, type 1; Juvenile myelomonocytic leukemia; Neurofibromatosis, familial spinal; Neurofibromatosis-Noonan syndrome. Review status: criteria provided, single submitter. Criteria: ACMG Guidelines, 2015. Collection method: clinical testing. Allele origin: germline. Affected: yes.
Comment: Absent from controls (or at extremely low frequency if recessive) in Genome Aggregation Database.;Novel missense change at an amino acid residue where a different missense change determined to be pathogenic has been seen before.;Multiple lines of computational evidence support a deleterious effect on the gene or gene product.;Missense variant in a gene that has a low rate of benign missense variation.;The prevalence of the variant in affected individuals is significantly increased compared to the prevalence in controls.;De novo (both maternity and paternity confirmed) in a patient with the disease and no family history.;Patient's phenotype or family history is highly specific for a disease with a single genetic etiology.